The following is an entry in ClinVar:

NM_004959.5(NR5A1):c.937C>T (p.Arg313Cys)

Gene: NR5A1 (nuclear receptor subfamily 5 group A member 1; minus strand). Cytogenetic location: 9q33.3.
Variant type: single nucleotide variant.
Coding change: c.937C>T on transcript NM_004959.5 (MANE Select); coding-DNA position 937, C replaced by T.
Protein change: p.Arg313Cys; replaces arginine 313 with cysteine.
Molecular consequence: missense variant.
Genome position (GRCh38, 1-based): chr9:124,493,083, G>A on the plus strand (C>T on the coding strand, the complement: NR5A1 is on the minus strand). VCF-style: chr9-124493083-G-A. GRCh37 (hg19) VCF-style: chr9-127255362-G-A.
Other names: short protein forms R313C.
Identifiers: ClinVar variation 372437 (VCV000372437.21), dbSNP rs1057517779, ClinGen allele CA16042654.

ClinVar aggregate classification (germline): Pathogenic/Likely pathogenic. Review status: criteria provided, multiple submitters, no conflicts (2 of 4 stars). 4 submissions from 4 submitters: Pathogenic (2); Likely pathogenic (1). 1 of the submissions does not count toward it. Last evaluated 2022-08-16.

Conditions:
46 XY differences of sex development. Also called: 46, XY disorder of sex development (DSD); 46,XY disorder of sex development. Identifiers: Orphanet 98085, MedGen C2751824, MONDO:0020040.
Oligosynaptic infertility (SPGF1). Also called: OLIGOCHIASMATIC INFERTILITY; SPERMATOGENIC FAILURE 1. Identifiers: MedGen C0403810, MONDO:0009776, OMIM 258150.
Genetic non-acquired premature ovarian failure. Identifiers: Orphanet 485382, MedGen C5925042.
46,XY sex reversal 3. Also called: NR5A1-related 46,XY complete gonadal dysgenesis; 46,XY SEX REVERSAL, PARTIAL OR COMPLETE, NR5A1-RELATED; SEX REVERSAL, XY, WITH OR WITHOUT ADRENAL FAILURE; 46,XY GONADAL DYSGENESIS, PARTIAL OR COMPLETE, WITH OR WITHOUT ADRENAL FAILURE; DISORDER OF SEX DEVELOPMENT, 46,XY, NR5A1-RELATED. Identifiers: MedGen C3489793, MONDO:0013066, OMIM 612965.

Allele frequency attached by ClinVar (database versions not stated): gnomAD exomes below 0.00001.
gnomAD v4.1: 1 of 1,611,340 alleles (0.000062%); highest among the groups gnomAD compares: Non-Finnish European, 0.000085%; no homozygotes.

Submissions (4):

GeneDx
Classification: Pathogenic. Last evaluated: 2022-08-16. Review status: criteria provided, single submitter. Criteria: GeneDx Variant Classification Process June 2021. Collection method: clinical testing. Allele origin: germline. Affected: yes.
Comment: Published functional studies demonstrate reduced transactivation activity on CYP11A1 and CYP17A1 promoters (Allali et al., 2011; Malikova et al., 2014); Not observed in large population cohorts (gnomAD); This variant is associated with the following publications: (PMID: 25122490, 27169744, 30425642, 30067310, 25383892, 32369823, 22028768)

Labcorp Genetics (formerly Invitae), Labcorp
Classification: Pathogenic for 46 XY differences of sex development; Oligosynaptic infertility. Last evaluated: 2022-04-04. Review status: criteria provided, single submitter. Criteria: Invitae Variant Classification Sherloc (09022015). Collection method: clinical testing. Allele origin: germline.
Comment: For these reasons, this variant has been classified as Pathogenic. Experimental studies have shown that this missense change affects NR5A1 function (PMID: 22028768, 25122490, 27169744). Algorithms developed to predict the effect of missense changes on protein structure and function (SIFT, PolyPhen-2, Align-GVGD) all suggest that this variant is likely to be disruptive. ClinVar contains an entry for this variant (Variation ID: 372437). This missense change has been observed in individual(s) with autosomal dominant disorders of sex development (DSD) (PMID: 25122490, 27169744, 30425642). In at least one individual the variant was observed to be de novo. This variant is not present in population databases (gnomAD no frequency). This sequence change replaces arginine, which is basic and polar, with cysteine, which is neutral and slightly polar, at codon 313 of the NR5A1 protein (p.Arg313Cys).

Genetic Services Laboratory, University of Chicago
Classification: Likely pathogenic for 46XY sex reversal 3. Last evaluated: 2015-11-11. Review status: criteria provided, single submitter. Criteria: ACMG Guidelines, 2015. Collection method: clinical testing. Allele origin: germline. Affected: yes.

Center for Reproductive Medicine, Shandong Provincial Hospital Affiliated to Shandong University
Classification: Likely pathogenic for Genetic non-acquired premature ovarian failure. Last evaluated: 2019-10-01. Review status: no assertion criteria provided. Collection method: research. Allele origin: unknown. Affected: yes. Observed: 1 variant allele. Not counted in ClinVar's aggregate classification.

Literature cited by the submitters: PubMed 22028768 (cited by Labcorp Genetics (formerly Invitae), Labcorp); PubMed 25122490 (cited by Labcorp Genetics (formerly Invitae), Labcorp); PubMed 27169744 (cited by Labcorp Genetics (formerly Invitae), Labcorp); PubMed 30425642 (cited by Labcorp Genetics (formerly Invitae), Labcorp).